The following is an entry in ClinVar:

ClinVar aggregate classification (germline): Uncertain significance (1 of 4 stars; one submission).

Conditions:
Hereditary sensory and autonomic neuropathy with spastic paraplegia (HSNSP). Identifiers: Orphanet 139578, MedGen C1850395, MONDO:0009748, OMIM 256840.

Allele frequency attached by ClinVar (database versions not stated): gnomAD exomes below 0.00001.
gnomAD v4.1: 2 of 1,614,258 alleles (0.00012%); highest among the groups gnomAD compares: Non-Finnish European, 0.00017%; no homozygotes.

Submission:

Labcorp Genetics (formerly Invitae), Labcorp
Classification: Uncertain significance for Hereditary sensory and autonomic neuropathy with spastic paraplegia. Last evaluated: 2022-11-12. Review status: criteria provided, single submitter. Criteria: Invitae Variant Classification Sherloc (09022015). Collection method: clinical testing. Allele origin: germline.
Comment: This sequence change replaces serine, which is neutral and polar, with glycine, which is neutral and non-polar, at codon 235 of the CCT5 protein (p.Ser235Gly). This variant is not present in population databases (gnomAD no frequency). This variant has not been reported in the literature in individuals affected with CCT5-related conditions. Advanced modeling of protein sequence and biophysical properties (such as structural, functional, and spatial information, amino acid conservation, physicochemical variation, residue mobility, and thermodynamic stability) performed at Invitae indicates that this missense variant is expected to disrupt CCT5 protein function. In summary, the available evidence is currently insufficient to determine the role of this variant in disease. Therefore, it has been classified as a Variant of Uncertain Significance.

NM_012073.5(CCT5):c.703A>G (p.Ser235Gly)

Gene: CCT5 (chaperonin containing TCP1 subunit 5; plus strand). Cytogenetic location: 5p15.2.
Variant type: single nucleotide variant.
Coding change: c.703A>G on transcript NM_012073.5 (MANE Select); coding-DNA position 703, A replaced by G.
Protein change: p.Ser235Gly; replaces serine 235 with glycine.
Molecular consequence: missense variant.
Genome position (GRCh38, 1-based): chr5:10,258,283, A>G. VCF-style: chr5-10258283-A-G. GRCh37 (hg19) VCF-style: chr5-10258395-A-G.
Other names: c.640A>G, p.Ser214Gly (NM_001306153.1); c.538A>G, p.Ser180Gly (NM_001306154.2); c.424A>G, p.Ser142Gly (NM_001306155.2); c.589A>G, p.Ser197Gly (NM_001306156.2); short protein forms S235G, S180G, S214G, S142G, S197G.
Identifiers: ClinVar variation 2807795 (VCV002807795.3), dbSNP rs2477443490, ClinGen allele CA359182718.